The following is an entry in ClinVar:

NM_012203.2(GRHPR):c.228dup (p.Val77fs)

Gene: GRHPR (glyoxylate and hydroxypyruvate reductase; plus strand). Cytogenetic location: 9p13.2.
Variant type: Duplication.
Coding change: c.228dup on transcript NM_012203.2 (MANE Select); coding-DNA position 228, one base duplicated (A; older notation c.228dupA).
Protein change: p.Val77fs; shifts the reading frame from valine 77.
Molecular consequence: frameshift variant.
Genome position (GRCh38, 1-based): chr9:37,425,935, A duplicated; the last of 3 consecutive A bases (chr9:37,425,933-37,425,935); duplicating any one gives the same sequence. VCF-style (leftmost placement, unchanged base first): chr9-37425932-C-CA. GRCh37 (hg19) VCF-style: chr9-37425929-C-CA.
Other names: short protein forms V77fs.
Identifiers: ClinVar variation 371394 (VCV000371394.6), dbSNP rs1057517238, ClinGen allele CA16041325.

ClinVar aggregate classification (germline): Pathogenic/Likely pathogenic. Review status: criteria provided, multiple submitters, no conflicts (2 of 4 stars). 3 submissions from 3 submitters: Pathogenic (1); Likely pathogenic (1). 1 of the submissions does not count toward it. Last evaluated 2024-01-26.

Conditions:
Primary hyperoxaluria, type II (HP2). Also called: OXALOSIS II; D-GLYCERATE DEHYDROGENASE DEFICIENCY; GLYCERIC ACIDURIA; GLYOXYLATE REDUCTASE/HYDROXYPYRUVATE REDUCTASE DEFICIENCY; Primary hyperoxaluria type 2. Identifiers: Orphanet 416, Orphanet 93599, MedGen C0268165, MONDO:0009824, OMIM 260000. Disease mechanism: loss of function.

Submissions (3):

Labcorp Genetics (formerly Invitae), Labcorp
Classification: Pathogenic. Last evaluated: 2024-01-26. Review status: criteria provided, single submitter. Criteria: Invitae Variant Classification Sherloc (09022015). Collection method: clinical testing. Allele origin: germline.
Comment: This sequence change creates a premature translational stop signal (p.Val77Serfs*16) in the GRHPR gene. It is expected to result in an absent or disrupted protein product. Loss-of-function variants in GRHPR are known to be pathogenic (PMID: 25644115). This variant is not present in population databases (gnomAD no frequency). This variant has not been reported in the literature in individuals affected with GRHPR-related conditions. ClinVar contains an entry for this variant (Variation ID: 371394). For these reasons, this variant has been classified as Pathogenic.

Baylor Genetics
Classification: Likely pathogenic for Primary hyperoxaluria, type II. Last evaluated: 2023-08-22. Review status: criteria provided, single submitter. Criteria: ACMG Guidelines, 2015. Collection method: clinical testing. Allele origin: unknown.

Counsyl
Classification: Likely pathogenic for Primary hyperoxaluria, type II. Last evaluated: 2016-09-14. Review status: no assertion criteria provided. Collection method: clinical testing. Allele origin: unknown. Not counted in ClinVar's aggregate classification.

Literature cited by the submitters: PubMed 25644115 (cited by Labcorp Genetics (formerly Invitae), Labcorp).